The following is an entry in ClinVar:

NM_000782.5(CYP24A1):c.639A>C (p.Glu213Asp)

Gene: CYP24A1 (cytochrome P450 family 24 subfamily A member 1; minus strand). Cytogenetic location: 20q13.2.
Variant type: single nucleotide variant.
Coding change: c.639A>C on transcript NM_000782.5 (MANE Select); coding-DNA position 639, A replaced by C.
Protein change: p.Glu213Asp; replaces glutamic acid 213 with aspartic acid.
Molecular consequence: missense variant.
Genome position (GRCh38, 1-based): chr20:54,169,593, T>G on the plus strand (A>C on the coding strand, the complement: CYP24A1 is on the minus strand). VCF-style: chr20-54169593-T-G. GRCh37 (hg19) VCF-style: chr20-52786132-T-G.
Other names: c.639A>C, p.Glu213Asp (NM_001128915.2); short protein forms E213D.
Identifiers: ClinVar variation 1948727 (VCV001948727.5), dbSNP rs1465352699, ClinGen allele CA409392333.

ClinVar aggregate classification (germline): Uncertain significance (1 of 4 stars; one submission).

Allele frequency attached by ClinVar (database versions not stated): gnomAD exomes below 0.00001; gnomAD 0.00001.

Submission:

Labcorp Genetics (formerly Invitae), Labcorp
Classification: Uncertain significance. Last evaluated: 2022-07-21. Review status: criteria provided, single submitter. Criteria: Invitae Variant Classification Sherloc (09022015). Collection method: clinical testing. Allele origin: germline.
Comment: In summary, the available evidence is currently insufficient to determine the role of this variant in disease. Therefore, it has been classified as a Variant of Uncertain Significance. Algorithms developed to predict the effect of missense changes on protein structure and function are either unavailable or do not agree on the potential impact of this missense change (SIFT: "Deleterious"; PolyPhen-2: "Possibly Damaging"; Align-GVGD: "Class C0"). This variant has not been reported in the literature in individuals affected with CYP24A1-related conditions. This variant is present in population databases (no rsID available, gnomAD 0.007%). This sequence change replaces glutamic acid, which is acidic and polar, with aspartic acid, which is acidic and polar, at codon 213 of the CYP24A1 protein (p.Glu213Asp).